The following is an entry in ClinVar:

NM_007294.4(BRCA1):c.5278-20C>G

Gene: BRCA1 (BRCA1 DNA repair associated; minus strand). Cytogenetic location: 17q21.31.
Variant type: single nucleotide variant.
Coding change: c.5278-20C>G on transcript NM_007294.4 (MANE Select); 20 bases into the intron before coding-DNA position 5278, C replaced by G.
Molecular consequence: intron variant.
Genome position (GRCh38, 1-based): chr17:43,051,137, G>C on the plus strand (C>G on the coding strand, the complement: BRCA1 is on the minus strand). VCF-style: chr17-43051137-G-C. GRCh37 (hg19) VCF-style: chr17-41203154-G-C.
Other names: c.1756-20C>G (NM_001408483.1, NM_001408491.1, NM_001408481.1 and 5 more transcripts); c.5272-20C>G (NM_001407634.1, NM_001407632.1, NM_001407627.1 and 14 more transcripts); c.5275-20C>G (NM_001407610.1, NM_001407621.1, NM_001407613.1 and 17 more transcripts); c.1843-20C>G (NM_001408442.1, NM_001408436.1, NM_001408435.1 and 10 more transcripts); c.1846-20C>G (NM_001408426.1, NM_001408430.1, NM_001408427.1 and 4 more transcripts); c.1966-20C>G (NM_001407982.1, NM_001407980.1, NM_001407993.1 and 12 more transcripts); c.2035-20C>G (NM_001407970.1, NM_001407971.1); c.5278-20C>G (NM_001407593.1, NM_001407603.1, NM_001407854.1 and 6 more transcripts); and 74 more.
Identifiers: ClinVar variation 865243 (VCV000865243.3), dbSNP rs193149108, ClinGen allele CA916081105.
Genomic context (GRCh38, chr17:43,051,137, plus strand): 5'-GTGAAGGGCCCATAGCAACAGATTTCTAGCCCCCTGAAGATCTGGAAGAAGAGAGGAAGA[G>C]AGAGGGACAGGGGAATGGAGAGAAGGAAAATCTAGTTATAAAAGAATATTGGCTTTTATT-3'

Conditions:
Breast-ovarian cancer, familial, susceptibility to, 1 (BROVCA1). Also called: BRCA1 Hereditary Breast and Ovarian Cancer; OVARIAN CANCER, SUSCEPTIBILITY TO. Identifiers: Orphanet 145, MedGen C2676676, MONDO:0011450, OMIM 604370. Disease mechanism: loss of function.

Submission:

Brotman Baty Institute, University of Washington
No classification provided (evidence only). Condition: Breast-ovarian cancer, familial 1. Review status: no classification provided. Collection method: in vitro. Allele origin: not applicable. Functional consequence: functionally_normal.
ClinVar note: "not provided" was previously submitted as the classification for the variant. However, the classification appeared to be based only on an observation of functional data so it was converted to no classification on 2025-07-30.